The following is an entry in ClinVar:

ClinVar aggregate classification (germline): Likely pathogenic (1 of 4 stars; one submission).

Conditions:
Severe intellectual disability-progressive spastic diplegia syndrome (NEDSDV). Also called: NEURODEVELOPMENTAL DISORDER WITH SPASTIC DIPLEGIA AND VISUAL DEFECTS; CTNNB1 Neurodevelopmental Disorder. Identifiers: Orphanet 404473, MedGen C3554449, MONDO:0014035, OMIM 615075.

Submission:

3billion
Classification: Likely pathogenic for Severe intellectual disability-progressive spastic diplegia syndrome. Last evaluated: 2021-10-02. Review status: criteria provided, single submitter. Criteria: ACMG Guidelines, 2015. Collection method: clinical testing. Allele origin: unknown. Affected: yes. Observed: 1 heterozygote.
Comment: Stop-gained (nonsense): predicted to result in a loss or disruption of normal protein function through nonsense-mediated decay (NMD) or protein truncation. Multiple pathogenic variants are reported downstream of the variant (PVS1_VS). It is not observed in the gnomAD v2.1.1 dataset (PM2). Therefore, this variant is classified as likely pathogenic according to the recommendation of ACMG/AMP guideline.

NM_001904.4(CTNNB1):c.1287C>A (p.Cys429Ter)

Genes: CTNNB1 (catenin beta 1; plus strand), LOC126806659 (BRD4-independent group 4 enhancer GRCh37_chr3:41274918-41276117; plus strand). Cytogenetic location: 3p22.1.
Variant type: single nucleotide variant.
Coding change: c.1287C>A on transcript NM_001904.4 (MANE Select); coding-DNA position 1287, C replaced by A.
Protein change: p.Cys429Ter; replaces cysteine 429 with a stop codon.
Molecular consequence: nonsense.
Genome position (GRCh38, 1-based): chr3:41,233,630, C>A. VCF-style: chr3-41233630-C-A. GRCh37 (hg19) VCF-style: chr3-41275121-C-A.
Other names: c.1287C>A, p.Cys429Ter (NM_001098209.2, NM_001098210.2); c.1266C>A, p.Cys422Ter (NM_001330729.2); short protein forms C422*, C429*.
Identifiers: ClinVar variation 1320226 (VCV001320226.1), dbSNP rs2078362215, ClinGen allele CA352232856.
Genomic context (GRCh38, chr3:41,233,630, plus strand): 5'-GGGTTCAGATGATATAAATGTGGTCACCTGTGCAGCTGGAATTCTTTCTAACCTCACTTG[C>A]AATAATTATAAGAACAAGATGATGGTCTGCCAAGTGGGTGGTATAGAGGCTCTTGTGCGT-3'